The following is an entry in ClinVar:

NM_001283009.2(RTEL1):c.2450G>A (p.Cys817Tyr)

Genes: RTEL1 (regulator of telomere elongation helicase 1; plus strand), RTEL1-TNFRSF6B (RTEL1-TNFRSF6B readthrough (NMD candidate); plus strand). Cytogenetic location: 20q13.33.
Variant type: single nucleotide variant.
Coding change: c.2450G>A on transcript NM_001283009.2 (MANE Select); coding-DNA position 2450, G replaced by A.
Protein change: p.Cys817Tyr; replaces cysteine 817 with tyrosine.
Molecular consequence: missense variant. On other transcripts: non-coding transcript variant (1).
Genome position (GRCh38, 1-based): chr20:63,690,841, G>A. VCF-style: chr20-63690841-G-A. GRCh37 (hg19) VCF-style: chr20-62322194-G-A.
Other names: c.1781G>A, p.Cys594Tyr (NM_001283010.1); c.2450G>A, p.Cys817Tyr (NM_016434.4); c.2522G>A, p.Cys841Tyr (NM_032957.5); short protein forms C594Y, C817Y, C841Y.
Identifiers: ClinVar variation 2075778 (VCV002075778.5), dbSNP rs750290515, ClinGen allele CA9965366.
Genomic context (GRCh38, chr20:63,690,841, plus strand): 5'-CTGCGCACTCGGGTGCCCCTGCAGGGTCACCAGCTGCCGGGGACCCCGAGAGTAGCCTGT[G>A]TGTGGAGTATGAGCAGGAGCCAGTTCCTGCCCGGCAGAGGCCCAGGGGGCTGCTGGCCGC-3'
Protein context (NP_001269938.1, residues 807-827): PAAGDPESSL[Cys817Tyr]VEYEQEPVPA

ClinVar aggregate classification (germline): Uncertain significance. Review status: criteria provided, multiple submitters, no conflicts (2 of 4 stars). 2 submissions from 2 submitters: Uncertain significance (2). Last evaluated 2025-06-16.

Conditions:
Inborn genetic diseases. Identifiers: MedGen C0950123, MeSH D030342.
Pulmonary fibrosis and/or bone marrow failure, Telomere-related, 3. Also called: PULMONARY FIBROSIS AND/OR BONE MARROW FAILURE SYNDROME, TELOMERE-RELATED, 3. Identifiers: Orphanet 2032, MedGen C4225346, MONDO:0014613, OMIM 616373.
Dyskeratosis congenita, autosomal recessive 5 (DKCB5). Identifiers: MedGen C3554656, MONDO:0014076, OMIM 615190.

Allele frequency attached by ClinVar (database versions not stated): gnomAD 0.00001; ExAC 0.00001.
gnomAD v4.1: 6 of 1,605,640 alleles (0.00037%); highest among the groups gnomAD compares: Admixed American, 0.0017%; no homozygotes.

Submissions (2):

Labcorp Genetics (formerly Invitae), Labcorp
Classification: Uncertain significance for Dyskeratosis congenita, autosomal recessive 5; Pulmonary fibrosis and/or bone marrow failure, Telomere-related, 3. Last evaluated: 2025-06-16. Review status: criteria provided, single submitter. Criteria: Invitae Variant Classification Sherloc (09022015). Collection method: clinical testing. Allele origin: germline.
Comment: This sequence change replaces cysteine, which is neutral and slightly polar, with tyrosine, which is neutral and polar, at codon 817 of the RTEL1 protein (p.Cys817Tyr). The frequency data for this variant in the population databases is considered unreliable, as metrics indicate poor data quality at this position in the gnomAD database. This variant has not been reported in the literature in individuals affected with RTEL1-related conditions. ClinVar contains an entry for this variant (Variation ID: 2075778). An algorithm developed to predict the effect of missense changes on protein structure and function (PolyPhen-2) suggests that this variant is likely to be tolerated. In summary, the available evidence is currently insufficient to determine the role of this variant in disease. Therefore, it has been classified as a Variant of Uncertain Significance.

Ambry Genetics
Classification: Uncertain significance for Inborn genetic diseases. Last evaluated: 2024-11-28. Review status: criteria provided, single submitter. Criteria: Ambry Variant Classification Scheme 2023. Collection method: clinical testing. Allele origin: germline.
Comment: The p.C817Y variant (also known as c.2450G>A), located in coding exon 26 of the RTEL1 gene, results from a G to A substitution at nucleotide position 2450. The cysteine at codon 817 is replaced by tyrosine, an amino acid with highly dissimilar properties. This amino acid position is conserved. In addition, this alteration is predicted to be tolerated by in silico analysis. Based on the available evidence, the clinical significance of this variant remains unclear.